The following is an entry in ClinVar:

ClinVar aggregate classification (germline): Uncertain significance. Review status: criteria provided, multiple submitters, no conflicts (2 of 4 stars). 2 submissions from 2 submitters: Uncertain significance (2). Last evaluated 2024-10-14.

Conditions:
Pontoneocerebellar hypoplasia. Also called: Pontocerebellar hypoplasia; Non-syndromic pontocerebellar hypoplasia. Identifiers: Orphanet 98523, MedGen C1261175, MONDO:0020135.

Allele frequency attached by ClinVar (database versions not stated): gnomAD exomes below 0.00001; TOPMed 0.00001.

Submissions (2):

Labcorp Genetics (formerly Invitae), Labcorp
Classification: Uncertain significance. Last evaluated: 2024-10-14. Review status: criteria provided, single submitter. Criteria: Invitae Variant Classification Sherloc (09022015). Collection method: clinical testing. Allele origin: germline.
Comment: This sequence change replaces proline, which is neutral and non-polar, with serine, which is neutral and polar, at codon 5 of the TSEN54 protein (p.Pro5Ser). This variant is not present in population databases (gnomAD no frequency). This variant has not been reported in the literature in individuals affected with TSEN54-related conditions. ClinVar contains an entry for this variant (Variation ID: 325080). Invitae Evidence Modeling of protein sequence and biophysical properties (such as structural, functional, and spatial information, amino acid conservation, physicochemical variation, residue mobility, and thermodynamic stability) indicates that this missense variant is not expected to disrupt TSEN54 protein function with a negative predictive value of 95%. In summary, the available evidence is currently insufficient to determine the role of this variant in disease. Therefore, it has been classified as a Variant of Uncertain Significance.

Illumina Laboratory Services, Illumina
Classification: Uncertain significance for Pontoneocerebellar hypoplasia. Last evaluated: 2018-01-12. Review status: criteria provided, single submitter. Criteria: ICSL Variant Classification Criteria 13 December 2019. Collection method: clinical testing. Allele origin: germline.

NM_207346.3(TSEN54):c.13C>T (p.Pro5Ser)

Genes: TSEN54 (tRNA splicing endonuclease subunit 54; plus strand), LOC112533671 (Sharpr-MPRA regulatory region 12010; plus strand). Cytogenetic location: 17q25.1.
Variant type: single nucleotide variant.
Coding change: c.13C>T on transcript NM_207346.3 (MANE Select); coding-DNA position 13, C replaced by T.
Protein change: p.Pro5Ser; replaces proline 5 with serine.
Molecular consequence: missense variant.
Genome position (GRCh38, 1-based): chr17:75,516,573, C>T. VCF-style: chr17-75516573-C-T. GRCh37 (hg19) VCF-style: chr17-73512654-C-T.
Other names: short protein forms P5S.
Identifiers: ClinVar variation 325080 (VCV000325080.8), dbSNP rs886053394, ClinGen allele CA10650101.